The following is an entry in ClinVar:

ClinVar aggregate classification (germline): Conflicting classifications of pathogenicity. Review status: criteria provided, conflicting classifications (1 of 4 stars). 2 submissions from 2 submitters: Uncertain significance (1); Likely benign (1). Last evaluated 2025-07-21.

Conditions:
TTLL5-related disorder. Also called: TTLL5-related condition.

Allele frequency attached by ClinVar (database versions not stated): gnomAD exomes below 0.00001 and 0.00001; gnomAD 0.00001; TOPMed 0.00002.
gnomAD v4.1: 6 of 1,600,504 alleles (0.00037%); highest among the groups gnomAD compares: Admixed American, 0.0052%; no homozygotes.

Submissions (2):

PreventionGenetics, part of Exact Sciences
Classification: Likely benign for TTLL5-related condition. Last evaluated: 2025-07-21. Review status: criteria provided, single submitter. Criteria: ACMG Guidelines, 2015. Collection method: clinical testing. Allele origin: germline.
Comment: This variant is classified as likely benign based on ACMG/AMP sequence variant interpretation guidelines (Richards et al. 2015 PMID: 25741868, with internal and published modifications).

Labcorp Genetics (formerly Invitae), Labcorp
Classification: Uncertain significance. Last evaluated: 2024-12-09. Review status: criteria provided, single submitter. Criteria: Invitae Variant Classification Sherloc (09022015). Collection method: clinical testing. Allele origin: germline.
Comment: This sequence change falls in intron 20 of the TTLL5 gene. It does not directly change the encoded amino acid sequence of the TTLL5 protein. It affects a nucleotide within the consensus splice site. The frequency data for this variant in the population databases is considered unreliable, as metrics indicate poor data quality at this position in the gnomAD database. This variant has not been reported in the literature in individuals affected with TTLL5-related conditions. ClinVar contains an entry for this variant (Variation ID: 1515274). Variants that disrupt the consensus splice site are a relatively common cause of aberrant splicing (PMID: 17576681, 9536098). Algorithms developed to predict the effect of sequence changes on RNA splicing suggest that this variant is not likely to affect RNA splicing. In summary, the available evidence is currently insufficient to determine the role of this variant in disease. Therefore, it has been classified as a Variant of Uncertain Significance.

Literature cited by the submitters: PubMed 17576681 (cited by Labcorp Genetics (formerly Invitae), Labcorp); PubMed 9536098 (cited by Labcorp Genetics (formerly Invitae), Labcorp).

NM_015072.5(TTLL5):c.2015+4T>A

Gene: TTLL5 (tubulin tyrosine ligase like 5; plus strand). Cytogenetic location: 14q24.3.
Variant type: single nucleotide variant.
Coding change: c.2015+4T>A on transcript NM_015072.5 (MANE Select); 4 bases into the intron after coding-DNA position 2015, T replaced by A.
Molecular consequence: intron variant.
Genome position (GRCh38, 1-based): chr14:75,766,372, T>A. VCF-style: chr14-75766372-T-A. GRCh37 (hg19) VCF-style: chr14-76232715-T-A.
Other names: c.2015+4T>A (NM_015072.4).
Identifiers: ClinVar variation 1515274 (VCV001515274.6), dbSNP rs1405014113, ClinGen allele CA615194441.
Genomic context (GRCh38, chr14:75,766,372, plus strand): 5'-GGAGCTAGAGCCTAAATTTAACCTGATGCAGATTCTTCAAGATAATGGCAATCTTAGGTA[T>A]GTATCTTTTATAATTATATTAGTAAAACTGATAACAGCTAACTTGTACTGTGTACCAGCT-3'